The following is an entry in ClinVar:

NM_006393.3(NEBL):c.2035A>G (p.Asn679Asp)

Gene: NEBL (nebulette; minus strand). Cytogenetic location: 10p12.31.
Variant type: single nucleotide variant.
Coding change: c.2035A>G on transcript NM_006393.3 (MANE Select); coding-DNA position 2035, A replaced by G.
Protein change: p.Asn679Asp; replaces asparagine 679 with aspartic acid.
Molecular consequence: missense variant. On other transcripts: intron variant (9).
Genome position (GRCh38, 1-based): chr10:20,819,444, T>C on the plus strand (A>G on the coding strand, the complement: NEBL is on the minus strand). VCF-style: chr10-20819444-T-C. GRCh37 (hg19) VCF-style: chr10-21108373-T-C.
Other names: c.250-6504A>G (NM_001377326.1, NM_001377327.1, NM_001377328.1); c.358-6504A>G (NM_213569.2, NM_001173484.2, NM_001377322.1); c.301-6504A>G (NM_001377324.1); c.292-6504A>G (NM_001377325.1); c.310-6504A>G (NM_001377323.1); short protein forms N679D.
Identifiers: ClinVar variation 3189975 (VCV003189975.2), dbSNP rs1418438128, ClinGen allele CA376094276.

ClinVar aggregate classification (germline): Uncertain significance (1 of 4 stars; one submission).

Allele frequency attached by ClinVar (database versions not stated): gnomAD exomes below 0.00001.
gnomAD v4.1: 2 of 1,614,088 alleles (0.00012%); highest among the groups gnomAD compares: Non-Finnish European, 0.000085%; no homozygotes.

Submission:

Ambry Genetics
Classification: Uncertain significance. Last evaluated: 2026-06-01. Review status: criteria provided, single submitter. Criteria: Ambry Variant Classification Scheme 2023. Collection method: clinical testing. Allele origin: germline.
Comment: The p.N679D variant (also known as c.2035A>G), located in coding exon 20 of the NEBL gene, results from an A to G substitution at nucleotide position 2035. The asparagine at codon 679 is replaced by aspartic acid, an amino acid with highly similar properties. This amino acid position is conserved. In addition, this alteration is predicted to be tolerated by in silico analysis. Based on the available evidence, the clinical significance of this variant remains unclear.